The following is an entry in ClinVar:

ClinVar aggregate classification (germline): Conflicting classifications of pathogenicity. Review status: criteria provided, conflicting classifications (1 of 4 stars). 2 submissions from 2 submitters: Uncertain significance (1); Likely benign (1). Last evaluated 2023-03-23.

Conditions:
Hereditary cancer-predisposing syndrome. Also called: Neoplastic Syndromes, Hereditary; Tumor predisposition; Hereditary neoplastic syndrome; Hereditary Cancer Syndrome. Identifiers: Orphanet 140162, MedGen C0027672, MeSH D009386, MONDO:0015356.
Hereditary breast ovarian cancer syndrome. Also called: BRCA1- and BRCA2-Associated Hereditary Breast and Ovarian Cancer; Hereditary breast and ovarian cancer; Hereditary breast and ovarian cancer syndrome; Hereditary breast and ovarian cancer syndrome (HBOC); Breast and ovarian cancer; Hereditary breast and/or ovarian cancer syndrome. Identifiers: Orphanet 145, MedGen C0677776, MeSH D061325, MONDO:0003582. Disease mechanism: loss of function.

Submissions (2):

University of Washington Department of Laboratory Medicine, University of Washington
Classification: Likely benign for Hereditary cancer-predisposing syndrome. Last evaluated: 2023-03-23. Review status: criteria provided, single submitter. Criteria: Dines et al. (Genet Med. 2020). Collection method: curation. Allele origin: germline.
Comment: Missense variant in a coldspot region where missense variants are very unlikely to be pathogenic (PMID:31911673).

BRCA2 exon 11 coldspot. Reclassification based on statistical prior probability.

Labcorp Genetics (formerly Invitae), Labcorp
Classification: Uncertain significance for Hereditary breast ovarian cancer syndrome. Last evaluated: 2021-05-21. Review status: criteria provided, single submitter. Criteria: Invitae Variant Classification Sherloc (09022015). Collection method: clinical testing. Allele origin: germline.
Comment: In summary, the available evidence is currently insufficient to determine the role of this variant in disease. Therefore, it has been classified as a Variant of Uncertain Significance. Advanced modeling of protein sequence and biophysical properties (such as structural, functional, and spatial information, amino acid conservation, physicochemical variation, residue mobility, and thermodynamic stability) performed at Invitae indicates that this missense variant is not expected to disrupt BRCA2 protein function. This variant has not been reported in the literature in individuals with BRCA2-related conditions. This variant is not present in population databases (ExAC no frequency). This sequence change replaces tyrosine with aspartic acid at codon 688 of the BRCA2 protein (p.Tyr688Asp). The tyrosine residue is weakly conserved and there is a large physicochemical difference between tyrosine and aspartic acid.

NM_000059.4(BRCA2):c.2062T>G (p.Tyr688Asp)

Gene: BRCA2 (BRCA2 DNA repair associated; plus strand). Cytogenetic location: 13q13.1.
Variant type: single nucleotide variant.
Coding change: c.2062T>G on transcript NM_000059.4 (MANE Select); coding-DNA position 2062, T replaced by G.
Protein change: p.Tyr688Asp; replaces tyrosine 688 with aspartic acid.
Molecular consequence: missense variant.
Genome position (GRCh38, 1-based): chr13:32,336,417, T>G. VCF-style: chr13-32336417-T-G. GRCh37 (hg19) VCF-style: chr13-32910554-T-G.
Other names: short protein forms Y688D.
Identifiers: ClinVar variation 1355955 (VCV001355955.9), dbSNP rs2137482959, ClinGen allele CA387769024.